The following is an entry in ClinVar:

ClinVar aggregate classification (germline): Uncertain significance (1 of 4 stars; one submission).

Conditions:
CHARGE syndrome (CHARGE). Also called: Coloboma, heart anomaly, choanal atresia, retardation, genital and ear anomalies; CHARGE association; Hall-Hittner syndrome; Hittner Hirsch Kreh syndrome; CHARGE ASSOCIATION--COLOBOMA, HEART ANOMALY, CHOANAL ATRESIA, RETARDATION, GENITAL AND EAR ANOMALIES. Identifiers: Orphanet 138, MedGen C0265354, MONDO:0008965.

Submission:

Labcorp Genetics (formerly Invitae), Labcorp
Classification: Uncertain significance for CHARGE syndrome. Last evaluated: 2022-07-24. Review status: criteria provided, single submitter. Criteria: Invitae Variant Classification Sherloc (09022015). Collection method: clinical testing. Allele origin: germline.
Comment: In summary, the available evidence is currently insufficient to determine the role of this variant in disease. Therefore, it has been classified as a Variant of Uncertain Significance. Algorithms developed to predict the effect of sequence changes on RNA splicing suggest that this variant may create or strengthen a splice site. Advanced modeling of protein sequence and biophysical properties (such as structural, functional, and spatial information, amino acid conservation, physicochemical variation, residue mobility, and thermodynamic stability) performed at Invitae indicates that this missense variant is not expected to disrupt CHD7 protein function. This variant has not been reported in the literature in individuals affected with CHD7-related conditions. This variant is not present in population databases (gnomAD no frequency). This sequence change replaces leucine, which is neutral and non-polar, with valine, which is neutral and non-polar, at codon 1492 of the CHD7 protein (p.Leu1492Val).

NM_017780.4(CHD7):c.4474C>G (p.Leu1492Val)

Gene: CHD7 (chromodomain helicase DNA binding protein 7; plus strand). Cytogenetic location: 8q12.2.
Variant type: single nucleotide variant.
Coding change: c.4474C>G on transcript NM_017780.4 (MANE Select); coding-DNA position 4474, C replaced by G.
Protein change: p.Leu1492Val; replaces leucine 1492 with valine.
Molecular consequence: missense variant. On other transcripts: intron variant (1).
Genome position (GRCh38, 1-based): chr8:60,838,196, C>G. VCF-style: chr8-60838196-C-G. GRCh37 (hg19) VCF-style: chr8-61750755-C-G.
Other names: c.1717-24033C>G (NM_001316690.1); short protein forms L1492V.
Identifiers: ClinVar variation 1713701 (VCV001713701.5), dbSNP rs760246947, ClinGen allele CA371318320.